The following is an entry in ClinVar:

ClinVar aggregate classification (germline): Uncertain significance (1 of 4 stars; one submission).

Conditions:
Generalized epilepsy with febrile seizures plus, type 7 (GEFSP7). Also called: GEFS+, TYPE 7. Identifiers: Orphanet 36387, MedGen C2751778, MONDO:0013470, OMIM 613863.
Neuropathy, hereditary sensory and autonomic, type 2A (HSAN2A). Also called: MORVAN DISEASE; NEUROPATHY, CONGENITAL SENSORY; NEUROPATHY, HEREDITARY SENSORY RADICULAR, AUTOSOMAL RECESSIVE; NEUROPATHY, HEREDITARY SENSORY, TYPE IIA; NEUROPATHY, PROGRESSIVE SENSORY, OF CHILDREN; WNK1-Related HSAN2 (HSAN2A). Identifiers: Orphanet 970, MedGen C2752089, MONDO:0024309, OMIM 201300.

gnomAD v4.1: 1 of 1,557,662 alleles (0.000064%); highest among the groups gnomAD compares: Non-Finnish European, 0.000087%; no homozygotes.

Submission:

Labcorp Genetics (formerly Invitae), Labcorp
Classification: Uncertain significance for Neuropathy, hereditary sensory and autonomic, type 2A; Generalized epilepsy with febrile seizures plus, type 7. Last evaluated: 2024-01-04. Review status: criteria provided, single submitter. Criteria: Invitae Variant Classification Sherloc (09022015). Collection method: clinical testing. Allele origin: germline.
Comment: This sequence change replaces lysine, which is basic and polar, with glutamic acid, which is acidic and polar, at codon 85 of the SCN9A protein (p.Lys85Glu). This variant is not present in population databases (gnomAD no frequency). This variant has not been reported in the literature in individuals affected with SCN9A-related conditions. ClinVar contains an entry for this variant (Variation ID: 574457). Advanced modeling of protein sequence and biophysical properties (such as structural, functional, and spatial information, amino acid conservation, physicochemical variation, residue mobility, and thermodynamic stability) has been performed at Invitae for this missense variant, however the output from this modeling did not meet the statistical confidence thresholds required to predict the impact of this variant on SCN9A protein function. In summary, the available evidence is currently insufficient to determine the role of this variant in disease. Therefore, it has been classified as a Variant of Uncertain Significance.

NM_001365536.1(SCN9A):c.253A>G (p.Lys85Glu)

Gene: SCN9A (sodium voltage-gated channel alpha subunit 9; minus strand). Cytogenetic location: 2q24.3.
Variant type: single nucleotide variant.
Coding change: c.253A>G on transcript NM_001365536.1 (MANE Select); coding-DNA position 253, A replaced by G.
Protein change: p.Lys85Glu; replaces lysine 85 with glutamic acid.
Molecular consequence: missense variant.
Genome position (GRCh38, 1-based): chr2:166,311,504, T>C on the plus strand (A>G on the coding strand, the complement: SCN9A is on the minus strand). VCF-style: chr2-166311504-T-C. GRCh37 (hg19) VCF-style: chr2-167168014-T-C.
Other names: c.253A>G, p.Lys85Glu (NM_002977.4); short protein forms K85E.
Identifiers: ClinVar variation 574457 (VCV000574457.8), dbSNP rs200885240, ClinGen allele CA59810350.